The following is an entry in ClinVar:

ClinVar aggregate classification (germline): Uncertain significance. Review status: criteria provided, multiple submitters, no conflicts (2 of 4 stars). 2 submissions from 2 submitters: Uncertain significance (2). Last evaluated 2025-12-16.

Conditions:
Inborn genetic diseases. Identifiers: MedGen C0950123, MeSH D030342.
Nephronophthisis-like nephropathy 1 (NPHPL1). Identifiers: Orphanet 655, MedGen C3150419, MONDO:0013163, OMIM 613159.

Allele frequency attached by ClinVar (database versions not stated): TOPMed 0.00005.
gnomAD v4.1: 57 of 1,614,064 alleles (0.0035%); highest among the groups gnomAD compares: African/African-American, 0.0013%; no homozygotes.

Submissions (2):

Ambry Genetics
Classification: Uncertain significance for Inborn genetic diseases. Last evaluated: 2025-12-16. Review status: criteria provided, single submitter. Criteria: Ambry Variant Classification Scheme 2023. Collection method: clinical testing. Allele origin: germline.

Labcorp Genetics (formerly Invitae), Labcorp
Classification: Uncertain significance for Nephronophthisis-like nephropathy 1. Last evaluated: 2022-07-06. Review status: criteria provided, single submitter. Criteria: Invitae Variant Classification Sherloc (09022015). Collection method: clinical testing. Allele origin: germline.
Comment: This sequence change replaces threonine, which is neutral and polar, with isoleucine, which is neutral and non-polar, at codon 96 of the XPNPEP3 protein (p.Thr96Ile). This variant is present in population databases (rs200817248, gnomAD 0.1%). This variant has not been reported in the literature in individuals affected with XPNPEP3-related conditions. Algorithms developed to predict the effect of missense changes on protein structure and function (SIFT, PolyPhen-2, Align-GVGD) all suggest that this variant is likely to be tolerated. In summary, the available evidence is currently insufficient to determine the role of this variant in disease. Therefore, it has been classified as a Variant of Uncertain Significance.

NM_022098.4(XPNPEP3):c.287C>T (p.Thr96Ile)

Gene: XPNPEP3 (X-prolyl aminopeptidase 3; plus strand). Cytogenetic location: 22q13.2.
Variant type: single nucleotide variant.
Coding change: c.287C>T on transcript NM_022098.4 (MANE Select); coding-DNA position 287, C replaced by T.
Protein change: p.Thr96Ile; replaces threonine 96 with isoleucine.
Molecular consequence: missense variant.
Genome position (GRCh38, 1-based): chr22:40,881,875, C>T. VCF-style: chr22-40881875-C-T. GRCh37 (hg19) VCF-style: chr22-41277879-C-T.
Other names: c.287C>T (NM_022098.3); short protein forms T96I.
Identifiers: ClinVar variation 2184777 (VCV002184777.3), dbSNP rs200817248, ClinGen allele CA10251612.